The following is an entry in ClinVar:

ClinVar aggregate classification (germline): Likely benign (1 of 4 stars; one submission).

Submission:

CeGaT Center for Human Genetics Tuebingen
Classification: Likely benign. Last evaluated: 2025-03-01. Review status: criteria provided, single submitter. Criteria: CeGaT Center For Human Genetics Tuebingen Variant Classification Criteria Version 2. Collection method: clinical testing. Allele origin: germline. Affected: yes. Observed: 1 variant allele.
Comment: MUC12: BP4, BP7

NM_001164462.2(MUC12):c.9273G>A (p.Ala3091=)

Gene: MUC12 (mucin 12, cell surface associated; plus strand). Cytogenetic location: 7q22.1.
Variant type: single nucleotide variant.
Coding change: c.9273G>A on transcript NM_001164462.2 (MANE Select); coding-DNA position 9273, G replaced by A.
Protein change: p.Ala3091=; no amino-acid change (alanine 3091 retained).
Molecular consequence: synonymous variant.
Genome position (GRCh38, 1-based): chr7:100,999,836, G>A. VCF-style: chr7-100999836-G-A. GRCh37 (hg19) VCF-style: chr7-100643117-G-A.
Identifiers: ClinVar variation 3777976 (VCV003777976.7).
Genomic context (GRCh38, chr7:100,999,836, plus strand): 5'-AGTTCTTGTTGGAGAACCTACAACGTCACCCATCAGTTCAGGCTCAACGGAAACAACAGC[G>A]TTACCTGGCAGTACCACAACAGCAGGCCTGAGTGAGAAATCTACCACCTTCTACAGTAGC-3'
Protein context (NP_001157934.1, residues 3081-3101): PISSGSTETT[Ala3091=]LPGSTTTAGL